The following is an entry in ClinVar:

ClinVar aggregate classification (germline): Benign/Likely benign. Review status: criteria provided, multiple submitters, no conflicts (2 of 4 stars). 3 submissions from 3 submitters: Benign (1); Likely benign (2). Last evaluated 2026-01-05.

Conditions:
Hereditary cancer-predisposing syndrome. Also called: Tumor predisposition; Neoplastic Syndromes, Hereditary; Hereditary Cancer Syndrome; Hereditary neoplastic syndrome. Identifiers: Orphanet 140162, MedGen C0027672, MeSH D009386, MONDO:0015356.
EGFR-related lung cancer (EGFR). Identifiers: MedGen CN130014.
Lung cancer. Also called: Malignant tumor of lung; Lung cancer, somatic. Identifiers: MedGen C0242379, MONDO:0008903, OMIM 211980.

Allele frequency attached by ClinVar (database versions not stated): gnomAD 0.00001; gnomAD exomes 0.00001; TOPMed 0.00001.
gnomAD v4.1: 11 of 1,614,120 alleles (0.00068%); highest among the groups gnomAD compares: Non-Finnish European, 0.00093%; no homozygotes.

Submissions (3):

Labcorp Genetics (formerly Invitae), Labcorp
Classification: Likely benign for EGFR-related lung cancer. Last evaluated: 2026-01-05. Review status: criteria provided, single submitter. Criteria: Invitae Variant Classification Sherloc (09022015). Collection method: clinical testing. Allele origin: germline.

Ambry Genetics
Classification: Likely benign for Hereditary cancer-predisposing syndrome. Last evaluated: 2024-11-22. Review status: criteria provided, single submitter. Criteria: Ambry Variant Classification Scheme 2023. Collection method: clinical testing. Allele origin: germline.

Myriad Genetics, Inc.
Classification: Benign for Lung cancer. Last evaluated: 2024-10-16. Review status: criteria provided, single submitter. Criteria: Myriad Autosomal Dominant, Autosomal Recessive and X-Linked Classification Criteria (2023). Collection method: clinical testing. Allele origin: unknown.
Comment: This variant is considered benign. This variant is a silent/synonymous amino acid change and it is not expected to impact splicing.

NM_005228.5(EGFR):c.2160C>T (p.Ser720=)

Gene: EGFR (epidermal growth factor receptor; plus strand). Cytogenetic location: 7p11.2.
Variant type: single nucleotide variant.
Coding change: c.2160C>T on transcript NM_005228.5 (MANE Select); coding-DNA position 2160, C replaced by T.
Protein change: p.Ser720=; no amino-acid change (serine 720 retained).
Molecular consequence: synonymous variant.
Genome position (GRCh38, 1-based): chr7:55,174,019, C>T. VCF-style: chr7-55174019-C-T. GRCh37 (hg19) VCF-style: chr7-55241712-C-T.
Other names: c.2025C>T, p.Ser675= (NM_001346897.2, NM_001346899.2); c.2160C>T, p.Ser720= (NM_001346898.2); c.2001C>T, p.Ser667= (NM_001346900.2); c.1359C>T, p.Ser453= (NM_001346941.2); c.2160C>T (NM_005228.3).
Identifiers: ClinVar variation 1107447 (VCV001107447.11), dbSNP rs1562784587, ClinGen allele CA454979175.